The following is an entry in ClinVar:

ClinVar aggregate classification (germline): Likely benign (1 of 4 stars; one submission).

Allele frequency attached by ClinVar (database versions not stated): TOPMed 0.00023; gnomAD exomes 0.00027; gnomAD 0.00028; ExAC 0.00052.

Submission:

CeGaT Center for Human Genetics Tuebingen
Classification: Likely benign. Last evaluated: 2026-08-01. Review status: criteria provided, single submitter. Criteria: CeGaT Center For Human Genetics Tuebingen Variant Classification Criteria Version 2. Collection method: clinical testing. Allele origin: germline. Affected: yes. Observed: 2 variant alleles.
Comment: POU4F1: BP4, BP7

NM_006237.4(POU4F1):c.351G>C (p.Leu117=)

Genes: OBI1-AS1 (OBI1 antisense RNA 1; plus strand), POU4F1 (POU class 4 homeobox 1; minus strand). Cytogenetic location: 13q31.1.
Variant type: single nucleotide variant.
Coding change: c.351G>C on transcript NM_006237.4 (MANE Select); coding-DNA position 351, G replaced by C.
Protein change: p.Leu117=; no amino-acid change (leucine 117 retained).
Molecular consequence: synonymous variant.
Genome position (GRCh38, 1-based): chr13:78,602,324, C>G on the plus strand (G>C on the coding strand, the complement: POU4F1 is on the minus strand). VCF-style: chr13-78602324-C-G. GRCh37 (hg19) VCF-style: chr13-79176459-C-G.
Identifiers: ClinVar variation 3067320 (VCV003067320.21), dbSNP rs752771035, ClinGen allele CA7012593.